The following is an entry in ClinVar:

ClinVar aggregate classification (germline): Uncertain significance (1 of 4 stars; one submission).

Conditions:
Inborn genetic diseases. Identifiers: MedGen C0950123, MeSH D030342.

Submission:

Ambry Genetics
Classification: Uncertain significance for Inborn genetic diseases. Last evaluated: 2025-08-10. Review status: criteria provided, single submitter. Criteria: Ambry Variant Classification Scheme 2023. Collection method: clinical testing. Allele origin: germline.
Comment: The p.A458V variant (also known as c.1373C>T), located in coding exon 1 of the SAMD9L gene, results from a C to T substitution at nucleotide position 1373. The alanine at codon 458 is replaced by valine, an amino acid with similar properties. This amino acid position is conserved. In addition, this alteration is predicted to be tolerated by in silico analysis. Based on the available evidence, the clinical significance of this variant remains unclear.

NM_152703.5(SAMD9L):c.1373C>T (p.Ala458Val)

Gene: SAMD9L (sterile alpha motif domain containing 9 like; minus strand). Cytogenetic location: 7q21.2.
Variant type: single nucleotide variant.
Coding change: c.1373C>T on transcript NM_152703.5 (MANE Select); coding-DNA position 1373, C replaced by T.
Protein change: p.Ala458Val; replaces alanine 458 with valine.
Molecular consequence: missense variant.
Genome position (GRCh38, 1-based): chr7:93,134,599, G>A on the plus strand (C>T on the coding strand, the complement: SAMD9L is on the minus strand). VCF-style: chr7-93134599-G-A. GRCh37 (hg19) VCF-style: chr7-92763912-G-A.
Other names: c.1373C>T, p.Ala458Val (NM_001303496.3, NM_001303497.3, NM_001303498.3 and 5 more transcripts); short protein forms A458V.
Identifiers: ClinVar variation 4159386 (VCV004159386.1).